The following is an entry in ClinVar:

ClinVar aggregate classification (germline): Conflicting classifications of pathogenicity. Review status: criteria provided, conflicting classifications (1 of 4 stars). 27 submissions from 23 submitters: Uncertain significance (1); Benign (11); Likely benign (9). 6 of the submissions do not count toward it. Last evaluated 2026-08-01.

Conditions:
Dilated cardiomyopathy 1G (CMD1G). Identifiers: Orphanet 154, MedGen C1858763, MONDO:0011400, OMIM 604145.
Autosomal recessive limb-girdle muscular dystrophy type 2J (LGMDR10). Also called: MUSCULAR DYSTROPHY, LIMB-GIRDLE, AUTOSOMAL RECESSIVE 10; Limb-girdle muscular dystrophy, type 2J. Identifiers: Orphanet 140922, MedGen C1837342, MONDO:0012127, OMIM 608807.
Ventricular tachycardia. Identifiers: MedGen C0042514, MONDO:0005477, HP:0004756.
Cardiomyopathy (CMYO). Also called: Cardiomyopathies. Identifiers: Orphanet 167848, MedGen C0878544, MONDO:0004994, HP:0001638. Inheritance: Various modes of inheritance.
Cardiovascular phenotype. Identifiers: MedGen CN230736.
TTN-related disorder. Also called: TTN-related disorders; TTN-related condition; TTN-related disease.
Early-onset myopathy with fatal cardiomyopathy (CMYO5). Also called: CONGENITAL MYOPATHY 5 WITH CARDIOMYOPATHY; Salih Myopathy. Identifiers: Orphanet 289377, MedGen C2673677, MONDO:0012714, OMIM 611705. Disease mechanism: loss of function.
Myopathy, myofibrillar, 9, with early respiratory failure (MFM9). Also called: Myopathy, distal, with early respiratory failure, autosomal dominant; Hereditary myopathy with early respiratory failure; MYOPATHY, PROXIMAL, WITH EARLY RESPIRATORY MUSCLE INVOLVEMENT; EDSTROM MYOPATHY. Identifiers: Orphanet 178464, Orphanet 34521, MedGen C1863599, MONDO:0011362, OMIM 603689.
Tibial muscular dystrophy (TMD). Also called: Udd Distal Myopathy – Tibial Muscular Dystrophy; Tibial muscular dystrophy, tardive; UDD MYOPATHY. Identifiers: Orphanet 609, MedGen C1838244, MONDO:0010870, OMIM 600334.

Allele frequency attached by ClinVar (database versions not stated): ExAC 0.00139; ESP Exome Variant Server 0.00343; gnomAD 0.00372 and 0.00349; gnomAD exomes 0.00133 and 0.00073; TOPMed 0.00408; 1000 Genomes Project 30x 0.00375; 1000 Genomes Project 0.00379.
gnomAD v4.1: 1,662 of 1,613,644 alleles (0.1%); highest among the groups gnomAD compares: African/African-American, 1.1%; 9 homozygotes.

Submissions (27):

CeGaT Center for Human Genetics Tuebingen
Classification: Likely benign. Last evaluated: 2026-08-01. Review status: criteria provided, single submitter. Criteria: CeGaT Center For Human Genetics Tuebingen Variant Classification Criteria Version 2. Collection method: clinical testing. Allele origin: germline. Affected: yes. Observed: 24 variant alleles.
Comment: TTN: BP4, BS1

Labcorp Genetics (formerly Invitae), Labcorp
Classification: Benign for Dilated cardiomyopathy 1G; Autosomal recessive limb-girdle muscular dystrophy type 2J. Last evaluated: 2026-02-03. Review status: criteria provided, single submitter. Criteria: Invitae Variant Classification Sherloc (09022015). Collection method: clinical testing. Allele origin: germline.

Molecular Diagnostic Laboratory for Inherited Cardiovascular Disease, Montreal Heart Institute
Classification: Benign. Last evaluated: 2025-04-09. Review status: criteria provided, single submitter. Criteria: ACMG Guidelines, 2015. Collection method: clinical testing. Allele origin: germline. Affected: no.

Mayo Clinic Laboratories, Mayo Clinic
Classification: Likely benign. Last evaluated: 2024-11-07. Review status: criteria provided, single submitter. Criteria: ACMG Guidelines, 2015. Collection method: clinical testing. Allele origin: germline. Observed: 7 variant alleles.
Comment: BS1, BP4

Blueprint Genetics
Classification: Likely benign. Last evaluated: 2024-10-22. Review status: criteria provided, single submitter. Criteria: ACMG Guidelines, 2015. Collection method: clinical testing. Allele origin: germline.

ARUP Laboratories, Molecular Genetics and Genomics, ARUP Laboratories
Classification: Likely benign. Last evaluated: 2021-05-07. Review status: criteria provided, single submitter. Criteria: ARUP Molecular Germline Variant Investigation Process 2021. Collection method: clinical testing. Allele origin: germline.

Athena Diagnostics
Classification: Benign. Last evaluated: 2020-11-09. Review status: criteria provided, single submitter. Criteria: Athena Diagnostics criteria. Collection method: clinical testing. Allele origin: unknown.

Women's Health and Genetics/Laboratory Corporation of America, LabCorp
Classification: Likely benign. Last evaluated: 2019-09-14. Review status: criteria provided, single submitter. Criteria: LabCorp Variant Classification Summary - May 2015. Collection method: clinical testing. Allele origin: germline.

Center for Advanced Laboratory Medicine, UC San Diego Health, University of California San Diego
Classification: Benign for Cardiomyopathy; Ventricular tachycardia. Last evaluated: 2019-06-03. Review status: criteria provided, single submitter. Criteria: ACMG Guidelines, 2015. Collection method: clinical testing. Allele origin: germline. Affected: yes. Observed: 3 variant alleles.

CHEO Genetics Diagnostic Laboratory, Children's Hospital of Eastern Ontario
Classification: Benign for Cardiomyopathy. Last evaluated: 2018-11-20. Review status: criteria provided, single submitter. Criteria: ACMG Guidelines, 2015. Collection method: clinical testing. Allele origin: germline.

Illumina Laboratory Services, Illumina
Classification: Benign for Tibial muscular dystrophy. Last evaluated: 2018-01-13. Review status: criteria provided, single submitter. Criteria: ICSL Variant Classification Criteria 13 December 2019. Collection method: clinical testing. Allele origin: germline.
Comment: This variant was observed in the ICSL laboratory as part of a predisposition screen in an ostensibly healthy population. It had not been previously curated by ICSL or reported in the Human Gene Mutation Database (HGMD: prior to June 1st, 2018), and was therefore a candidate for classification through an automated scoring system. Utilizing variant allele frequency, disease prevalence and penetrance estimates, and inheritance mode, an automated score was calculated to assess if this variant is too frequent to cause the disease. Based on the score and internal cut-off values, a variant classified as benign is not then subjected to further curation. The score for this variant resulted in a classification of benign for this disease.

Illumina Laboratory Services, Illumina
Classification: Uncertain significance for Autosomal recessive limb-girdle muscular dystrophy type 2J. Last evaluated: 2018-01-13. Review status: criteria provided, single submitter. Criteria: ICSL Variant Classification Criteria 13 December 2019. Collection method: clinical testing. Allele origin: germline.

Illumina Laboratory Services, Illumina
Classification: Likely benign for Early-onset myopathy with fatal cardiomyopathy. Last evaluated: 2018-01-13. Review status: criteria provided, single submitter. Criteria: ICSL Variant Classification Criteria 13 December 2019. Collection method: clinical testing. Allele origin: germline.
Comment: This variant was observed in the ICSL laboratory as part of a predisposition screen in an ostensibly healthy population. It had not been previously curated by ICSL or reported in the Human Gene Mutation Database (HGMD: prior to June 1st, 2018), and was therefore a candidate for classification through an automated scoring system. Utilizing variant allele frequency, disease prevalence and penetrance estimates, and inheritance mode, an automated score was calculated to assess if this variant is too frequent to cause the disease. Based on the score and internal cut-off values, a variant classified as likely benign is not then subjected to further curation. The score for this variant resulted in a classification of likely benign for this disease.

Illumina Laboratory Services, Illumina
Classification: Benign for Myopathy, myofibrillar, 9, with early respiratory failure. Last evaluated: 2018-01-13. Review status: criteria provided, single submitter. Criteria: ICSL Variant Classification Criteria 13 December 2019. Collection method: clinical testing. Allele origin: germline.
Comment: the same text as in the submission from Illumina Laboratory Services, Illumina above.

Illumina Laboratory Services, Illumina
Classification: Likely benign for Dilated cardiomyopathy 1G. Last evaluated: 2018-01-13. Review status: criteria provided, single submitter. Criteria: ICSL Variant Classification Criteria 13 December 2019. Collection method: clinical testing. Allele origin: germline.
Comment: the same text as in the submission from Illumina Laboratory Services, Illumina above.

Eurofins Ntd Llc (ga)
Classification: Benign. Last evaluated: 2015-08-06. Review status: criteria provided, single submitter. Criteria: EGL Classification Definitions 2015. Collection method: clinical testing. Allele origin: germline. Observed: 1 variant allele, 1 heterozygote.

GeneDx
Classification: Benign. Last evaluated: 2015-06-08. Review status: criteria provided, single submitter. Criteria: GeneDx Variant Classification (06012015). Collection method: clinical testing. Allele origin: germline. Affected: yes.
Comment: This variant is considered likely benign or benign based on one or more of the following criteria: it is a conservative change, it occurs at a poorly conserved position in the protein, it is predicted to be benign by multiple in silico algorithms, and/or has population frequency not consistent with disease.

Genetic Services Laboratory, University of Chicago
Classification: Likely benign. Last evaluated: 2015-02-10. Review status: criteria provided, single submitter. Criteria: ACMG Guidelines, 2015. Collection method: clinical testing. Allele origin: germline.

Biesecker Lab/Clinical Genomics Section, National Institutes of Health
Classification: Benign. Last evaluated: 2013-06-24. Review status: criteria provided, single submitter. Criteria: Ng et al. (Circ Cardiovasc Genet. 2013). Collection method: research. Allele origin: unknown. Observed: 4 variant alleles. Study: ClinSeq.
Comment: The study set was not selected for affection status in relation to any cancer. Pathogenicity categories were based on literature curation. See Pubmed ID:23861362 for details.

Medical sequencing

Ambry Genetics
Classification: Likely benign for Cardiovascular phenotype. Last evaluated: 2012-12-14. Review status: criteria provided, single submitter. Criteria: Ambry Autosomal Dominant and X-Linked criteria (10/2015). Collection method: clinical testing. Allele origin: germline. Observed: 1 variant allele.

Laboratory for Molecular Medicine, Mass General Brigham Personalized Medicine
Classification: Benign. Last evaluated: 2012-03-16. Review status: criteria provided, single submitter. Criteria: LMM Criteria. Collection method: clinical testing. Allele origin: germline. Observed: 6 variant alleles.
Comment: Val7416Ile in exon 87 of TTN: This variant is not expected to have clinical sign ificance because it has been identified in 1.0% (30/3050) of African American ch romosomes from a broad population by the NHLBI Exome Sequencing Project (dbSNP rs141856116). Val7416Ile in exon 87 of TTN (rs 141856116; allele frequency = 1.0%, 30/3050) **

PreventionGenetics, part of Exact Sciences
Classification: Benign for TTN-related condition. Last evaluated: 2019-05-29. Review status: no assertion criteria provided. Collection method: clinical testing. Allele origin: germline. Not counted in ClinVar's aggregate classification.
Comment: This variant is classified as benign based on ACMG/AMP sequence variant interpretation guidelines (Richards et al. 2015 PMID: 25741868, with internal and published modifications).

Clinical Genetics DNA and cytogenetics Diagnostics Lab, Erasmus MC, Erasmus Medical Center
Classification: Benign. Review status: no assertion criteria provided. Collection method: clinical testing. Allele origin: germline. Affected: yes. Study: VKGL Data-share Consensus. Not counted in ClinVar's aggregate classification.

Clinical Genetics, Academic Medical Center
Classification: Benign. Review status: no assertion criteria provided. Collection method: clinical testing. Allele origin: germline. Affected: yes. Study: VKGL Data-share Consensus. Not counted in ClinVar's aggregate classification.

Diagnostic Laboratory, Department of Genetics, University Medical Center Groningen
Classification: Benign. Review status: no assertion criteria provided. Collection method: clinical testing. Allele origin: germline. Affected: yes. Study: VKGL Data-share Consensus. Not counted in ClinVar's aggregate classification.

Joint Genome Diagnostic Labs from Nijmegen and Maastricht, Radboudumc and MUMC+
Classification: Benign. Review status: no assertion criteria provided. Collection method: clinical testing. Allele origin: germline. Affected: yes. Study: VKGL Data-share Consensus. Not counted in ClinVar's aggregate classification.

Laboratory of Diagnostic Genome Analysis, Leiden University Medical Center (LUMC)
Classification: Likely benign. Review status: no assertion criteria provided. Collection method: clinical testing. Allele origin: germline. Affected: yes. Study: VKGL Data-share Consensus. Not counted in ClinVar's aggregate classification.

NM_001267550.2(TTN):c.25978G>A (p.Val8660Ile)

Gene: TTN (titin; minus strand). Cytogenetic location: 2q31.2.
Variant type: single nucleotide variant.
Coding change: c.25978G>A on transcript NM_001267550.2 (MANE Select); coding-DNA position 25978, G replaced by A.
Protein change: p.Val8660Ile; replaces valine 8660 with isoleucine.
Molecular consequence: missense variant. On other transcripts: intron variant (3).
Genome position (GRCh38, 1-based): chr2:178,715,208, C>T on the plus strand (G>A on the coding strand, the complement: TTN is on the minus strand). VCF-style: chr2-178715208-C-T. GRCh37 (hg19) VCF-style: chr2-179579935-C-T.
Other names: p.V8343I:GTT>ATT; c.25027G>A, p.Val8343Ile (NM_001256850.1); c.22246G>A, p.Val7416Ile (NM_133378.4); c.13282+22874G>A (NM_003319.4); c.13858+22874G>A (NM_133437.4); c.13657+22874G>A (NM_133432.3); short protein forms V8660I, V7416I, V8343I.
Identifiers: ClinVar variation 46771 (VCV000046771.74), dbSNP rs141856116, ClinGen allele CA139162.